The following is an entry in ClinVar:

NM_001035.3(RYR2):c.3025C>G (p.Arg1009Gly)

Gene: RYR2 (ryanodine receptor 2; plus strand). Cytogenetic location: 1q43.
Variant type: single nucleotide variant.
Coding change: c.3025C>G on transcript NM_001035.3 (MANE Select); coding-DNA position 3025, C replaced by G.
Protein change: p.Arg1009Gly; replaces arginine 1009 with glycine.
Molecular consequence: missense variant.
Genome position (GRCh38, 1-based): chr1:237,548,549, C>G. VCF-style: chr1-237548549-C-G. GRCh37 (hg19) VCF-style: chr1-237711849-C-G.
Other names: short protein forms R1009G.
Identifiers: ClinVar variation 4758238 (VCV004758238.1).

ClinVar aggregate classification (germline): Uncertain significance (1 of 4 stars; one submission).

Conditions:
Cardiomyopathy (CMYO). Also called: Cardiomyopathies. Identifiers: Orphanet 167848, MedGen C0878544, MONDO:0004994, HP:0001638. Inheritance: Various modes of inheritance.

Submission:

Color Diagnostics, LLC DBA Color Health
Classification: Uncertain significance for Cardiomyopathy. Last evaluated: 2025-10-20. Review status: criteria provided, single submitter. Criteria: ACMG Guidelines, 2015. Collection method: clinical testing. Allele origin: germline.
Comment: This missense variant replaces arginine with glycine at codon 1009 of the RYR2 protein. Computational prediction suggests that this variant may have deleterious impact on protein structure and function. To our knowledge, functional studies have not been reported for this variant. This variant has not been reported in individuals affected with RYR2-related disorders in the literature. This variant has not been identified in the general population by the Genome Aggregation Database (gnomAD). The available evidence is insufficient to determine the role of this variant in disease conclusively. Therefore, this variant is classified as a Variant of Uncertain Significance.